The following is an entry in ClinVar:

ClinVar aggregate classification (germline): Uncertain significance (1 of 4 stars; one submission).

Conditions:
LAMA2-related muscular dystrophy (LAMA2-RD). Also called: Laminin alpha 2-related dystrophy. Identifiers: MedGen C5679788, MONDO:0100228.

Submission:

Labcorp Genetics (formerly Invitae), Labcorp
Classification: Uncertain significance for LAMA2-related muscular dystrophy. Last evaluated: 2019-07-19. Review status: criteria provided, single submitter. Criteria: Invitae Variant Classification Sherloc (09022015). Collection method: clinical testing. Allele origin: germline.
Comment: In summary, the available evidence is currently insufficient to determine the role of this variant in disease. Therefore, it has been classified as a Variant of Uncertain Significance. Algorithms developed to predict the effect of missense changes on protein structure and function are either unavailable or do not agree on the potential impact of this missense change (SIFT: "Tolerated"; PolyPhen-2: "Possibly Damaging"; Align-GVGD: "Class C0"). This variant has not been reported in the literature in individuals with LAMA2-related conditions. This variant is not present in population databases (ExAC no frequency). This sequence change replaces alanine with valine at codon 720 of the LAMA2 protein (p.Ala720Val). The alanine residue is weakly conserved and there is a small physicochemical difference between alanine and valine.

NM_000426.4(LAMA2):c.2159C>T (p.Ala720Val)

Gene: LAMA2 (laminin subunit alpha 2; plus strand). Cytogenetic location: 6q22.33.
Variant type: single nucleotide variant.
Coding change: c.2159C>T on transcript NM_000426.4 (MANE Select); coding-DNA position 2159, C replaced by T.
Protein change: p.Ala720Val; replaces alanine 720 with valine.
Molecular consequence: missense variant.
Genome position (GRCh38, 1-based): chr6:129,260,773, C>T. VCF-style: chr6-129260773-C-T. GRCh37 (hg19) VCF-style: chr6-129581918-C-T.
Other names: c.2159C>T, p.Ala720Val (NM_001079823.2); short protein forms A720V.
Identifiers: ClinVar variation 953249 (VCV000953249.10), dbSNP rs1787063846, ClinGen allele CA365608600.